The following is an entry in ClinVar:

ClinVar aggregate classification (germline): Likely benign (1 of 4 stars; one submission).

Submission:

CeGaT Center for Human Genetics Tuebingen
Classification: Likely benign. Last evaluated: 2023-10-01. Review status: criteria provided, single submitter. Criteria: CeGaT Center For Human Genetics Tuebingen Variant Classification Criteria Version 2. Collection method: clinical testing. Allele origin: germline. Affected: yes. Observed: 1 variant allele.
Comment: SIN3A: PM2:Supporting, BP4, BP7

NM_001145358.2(SIN3A):c.1293T>G (p.Pro431=)

Gene: SIN3A (SIN3 transcription regulator family member A; minus strand). Cytogenetic location: 15q24.2.
Variant type: single nucleotide variant.
Coding change: c.1293T>G on transcript NM_001145358.2 (MANE Select); coding-DNA position 1293, T replaced by G.
Protein change: p.Pro431=; no amino-acid change (proline 431 retained).
Molecular consequence: synonymous variant.
Genome position (GRCh38, 1-based): chr15:75,409,860, A>C on the plus strand (T>G on the coding strand, the complement: SIN3A is on the minus strand). VCF-style: chr15-75409860-A-C. GRCh37 (hg19) VCF-style: chr15-75702201-A-C.
Other names: c.1293T>G, p.Pro431= (NM_001145357.2, NM_015477.3).
Identifiers: ClinVar variation 2645560 (VCV002645560.24), dbSNP rs2542679209, ClinGen allele CA491249102.
Genomic context (GRCh38, chr15:75,409,860, plus strand): 5'-TGAGTGTCAAAATGAGCAGCTGCTGCCCATTCTCACCTTAACTGGAGGGGTGGTTCCTGT[A>C]GGATGTCTGCGGATCTGGCAGCCATTCTGGCTGGGCCTCTGCGGCTTGTTGTTCAGTTGG-3'
Protein context (NP_001138830.1, residues 421-441): SQNGCQIRRH[Pro431=]TGTTPPVKKK